The following is an entry in ClinVar:

NM_022100.3(MRPS14):c.39C>T (p.Phe13=)

Genes: MRPS14 (mitochondrial ribosomal protein S14; minus strand), LOC129931958 (ATAC-STARR-seq lymphoblastoid active region 2128; plus strand). Cytogenetic location: 1q25.1.
Variant type: single nucleotide variant.
Coding change: c.39C>T on transcript NM_022100.3 (MANE Select); coding-DNA position 39, C replaced by T.
Protein change: p.Phe13=; no amino-acid change (phenylalanine 13 retained).
Molecular consequence: synonymous variant. On other transcripts: non-coding transcript variant (1).
Genome position (GRCh38, 1-based): chr1:175,023,370, G>A on the plus strand (C>T on the coding strand, the complement: MRPS14 is on the minus strand). VCF-style: chr1-175023370-G-A. GRCh37 (hg19) VCF-style: chr1-174992506-G-A.
Identifiers: ClinVar variation 3049231 (VCV003049231.2), dbSNP rs778786617, ClinGen allele CA422123026.
Genomic context (GRCh38, chr1:175,023,370, plus strand): 5'-GTTATGAGATTCAGCGGTGAGGGGTAGCGGTGTGGATAAAAGTAGAGGCCTGACCTGCTT[G>A]AACGTCCGCAGCAGCGAGCCCAGCATGAAGGCCGCCATGTTGTCCGCTACAAACTACAAA-3'
Protein context (NP_071383.1, residues 3-23): AFMLGSLLRT[Phe13=]KQMVPSSASG

ClinVar aggregate classification (germline): Likely benign (0 of 4 stars; one submission).

Conditions:
MRPS14-related disorder. Also called: MRPS14-related condition.

Allele frequency attached by ClinVar (database versions not stated): TOPMed below 0.00001.

Submission:

PreventionGenetics, part of Exact Sciences
Classification: Likely benign for MRPS14-related condition. Last evaluated: 2019-12-19. Review status: no assertion criteria provided. Collection method: clinical testing. Allele origin: germline.
Comment: This variant is classified as likely benign based on ACMG/AMP sequence variant interpretation guidelines (Richards et al. 2015 PMID: 25741868, with internal and published modifications).